The following is an entry in ClinVar:

ClinVar aggregate classification (germline): Uncertain significance. Review status: criteria provided, multiple submitters, no conflicts (2 of 4 stars). 5 submissions from 5 submitters: Uncertain significance (5). Last evaluated 2026-03-09.

Conditions:
Hereditary cancer-predisposing syndrome. Also called: Hereditary neoplastic syndrome; Tumor predisposition; Neoplastic Syndromes, Hereditary; Hereditary Cancer Syndrome. Identifiers: Orphanet 140162, MedGen C0027672, MeSH D009386, MONDO:0015356.
Tuberous sclerosis syndrome (TSC). Also called: Tuberous sclerosis; Tuberous Sclerosis Complex. Identifiers: Orphanet 805, MedGen C0041341, MONDO:0001734.
Tuberous sclerosis 2 (TSC2). Identifiers: Orphanet 805, MedGen C1860707, MONDO:0013199, OMIM 613254.
Isolated focal cortical dysplasia type II (FCORD2). Also called: Focal cortical dysplasia type II; CORTICAL DYSPLASIA OF TAYLOR. Identifiers: Orphanet 268994, MedGen C1846385, MONDO:0011818, OMIM 607341, HP:0032051.

gnomAD v4.1: 6 of 1,612,222 alleles (0.00037%); highest among the groups gnomAD compares: Admixed American, 0.0017%; no homozygotes.

Submissions (5):

Ambry Genetics
Classification: Uncertain significance for Hereditary cancer-predisposing syndrome. Last evaluated: 2026-03-09. Review status: criteria provided, single submitter. Criteria: Ambry Variant Classification Scheme 2023. Collection method: clinical testing. Allele origin: germline.
Comment: The p.P436Q variant (also known as c.1307C>A), located in coding exon 12 of the TSC2 gene, results from a C to A substitution at nucleotide position 1307. The proline at codon 436 is replaced by glutamine, an amino acid with similar properties. This amino acid position is conserved. In addition, this alteration is predicted to be deleterious by in silico analysis. Based on the available evidence, the clinical significance of this variant remains unclear.

Labcorp Genetics (formerly Invitae), Labcorp
Classification: Uncertain significance for Tuberous sclerosis 2. Last evaluated: 2025-12-13. Review status: criteria provided, single submitter. Criteria: Invitae Variant Classification Sherloc (09022015). Collection method: clinical testing. Allele origin: germline.
Comment: This sequence change replaces proline, which is neutral and non-polar, with glutamine, which is neutral and polar, at codon 436 of the TSC2 protein (p.Pro436Gln). This variant is not present in population databases (gnomAD no frequency). This variant has not been reported in the literature in individuals affected with TSC2-related conditions. ClinVar contains an entry for this variant (Variation ID: 1376226). Invitae Evidence Modeling of protein sequence and biophysical properties (such as structural, functional, and spatial information, amino acid conservation, physicochemical variation, residue mobility, and thermodynamic stability) indicates that this missense variant is not expected to disrupt TSC2 protein function with a negative predictive value of 95%. In summary, the available evidence is currently insufficient to determine the role of this variant in disease. Therefore, it has been classified as a Variant of Uncertain Significance.

Baylor Genetics
Classification: Uncertain significance for Isolated focal cortical dysplasia type II. Last evaluated: 2023-12-24. Review status: criteria provided, single submitter. Criteria: ACMG Guidelines, 2015. Collection method: clinical testing. Allele origin: unknown.

All of Us Research Program, National Institutes of Health
Classification: Uncertain significance for Tuberous sclerosis syndrome. Last evaluated: 2023-12-13. Review status: criteria provided, single submitter. Criteria: ACMG Guidelines, 2015. Collection method: clinical testing. Allele origin: germline. Inheritance: Autosomal dominant inheritance. Observed: 1 variant allele, 1 heterozygote.
Comment: This missense variant replaces proline with glutamine at codon 436 of the TSC2 protein. Computational prediction suggests that this variant may have deleterious impact on protein structure and function (internally defined REVEL score threshold >= 0.7, PMID: 27666373). To our knowledge, functional studies have not been reported for this variant. This variant has not been reported in individuals affected with TSC2-related disorders in the literature. This variant has not been identified in the general population by the Genome Aggregation Database (gnomAD). The available evidence is insufficient to determine the role of this variant in disease conclusively. Therefore, this variant is classified as a Variant of Uncertain Significance.

This study involves interpretation of variants in research participants for the purpose of population health screening. Participant phenotype was not available at the time of variant classification. Additional details can be found in publication PMID: 35346344, PMCID: PMC8962531

GeneDx
Classification: Uncertain significance. Last evaluated: 2023-09-26. Review status: criteria provided, single submitter. Criteria: GeneDx Variant Classification Process June 2021. Collection method: clinical testing. Allele origin: germline. Affected: yes.
Comment: Not observed at significant frequency in large population cohorts (gnomAD); In silico analysis supports that this missense variant has a deleterious effect on protein structure/function; Has not been previously reported as pathogenic or benign in association with neurodevelopmental disorders to our knowledge; This variant is associated with the following publications: (PMID: 28734009)

NM_000548.5(TSC2):c.1307C>A (p.Pro436Gln)

Gene: TSC2 (TSC complex subunit 2; plus strand). Cytogenetic location: 16p13.3.
Variant type: single nucleotide variant.
Coding change: c.1307C>A on transcript NM_000548.5 (MANE Select); coding-DNA position 1307, C replaced by A.
Protein change: p.Pro436Gln; replaces proline 436 with glutamine.
Molecular consequence: missense variant.
Genome position (GRCh38, 1-based): chr16:2,062,546, C>A. VCF-style: chr16-2062546-C-A. GRCh37 (hg19) VCF-style: chr16-2112547-C-A.
Other names: c.1307C>A, p.Pro436Gln (NM_001077183.3, NM_001114382.3, NM_001363528.2 and 3 more transcripts); c.1196C>A, p.Pro399Gln (NM_001318827.2); c.1160C>A, p.Pro387Gln (NM_001318829.2); c.707C>A, p.Pro236Gln (NM_001318831.2); c.1340C>A, p.Pro447Gln (NM_001318832.2); c.1307C>A (NM_000548.3); short protein forms P387Q, P236Q, P436Q, P447Q, P399Q.
Identifiers: ClinVar variation 1376226 (VCV001376226.13), dbSNP rs796053485, ClinGen allele CA394322206.
Genomic context (GRCh38, chr16:2,062,546, plus strand): 5'-TCTTTTGACAGGAGTCCTCCCTCCTGAACCTGATCTCCTATAGAGCGCAGTCCATCCACC[C>A]GGCCAAGGACGGCTGGATTCAGAACCTGCAGGCGCTGATGGAGAGATTCTTCAGGTAGGG-3'
Protein context (NP_000539.2, residues 426-446): LISYRAQSIH[Pro436Gln]AKDGWIQNLQ